The following is an entry in ClinVar:

NM_024408.4(NOTCH2):c.6944T>A (p.Ile2315Asn)

Gene: NOTCH2 (notch receptor 2; minus strand). Cytogenetic location: 1p12.
Variant type: single nucleotide variant.
Coding change: c.6944T>A on transcript NM_024408.4 (MANE Select); coding-DNA position 6944, T replaced by A.
Protein change: p.Ile2315Asn; replaces isoleucine 2315 with asparagine.
Molecular consequence: missense variant.
Genome position (GRCh38, 1-based): chr1:119,915,778, A>T on the plus strand (T>A on the coding strand, the complement: NOTCH2 is on the minus strand). VCF-style: chr1-119915778-A-T. GRCh37 (hg19) VCF-style: chr1-120458401-A-T.
Other names: short protein forms I2315N.
Identifiers: ClinVar variation 3201369 (VCV003201369.3), dbSNP rs1221201713, ClinGen allele CA341874622.

ClinVar aggregate classification (germline): Uncertain significance. Review status: criteria provided, multiple submitters, no conflicts (2 of 4 stars). 2 submissions from 2 submitters: Uncertain significance (2). Last evaluated 2025-01-26.

Conditions:
Hajdu-Cheney syndrome (HJCYS). Also called: Acroosteolysis dominant type; ACROOSTEOLYSIS WITH OSTEOPOROSIS AND CHANGES IN SKULL AND MANDIBLE; SERPENTINE FIBULA-POLYCYSTIC KIDNEY SYNDROME. Identifiers: Orphanet 955, MedGen C0917715, MONDO:0007057, OMIM 102500.
Inborn genetic diseases. Identifiers: MedGen C0950123, MeSH D030342.

Allele frequency attached by ClinVar (database versions not stated): TOPMed below 0.00001; gnomAD 0.00001.
gnomAD v4.1: 1 of 1,610,632 alleles (0.000062%); highest among the groups gnomAD compares: Non-Finnish European, 0.000085%; no homozygotes.

Submissions (2):

Labcorp Genetics (formerly Invitae), Labcorp
Classification: Uncertain significance for Hajdu-Cheney syndrome. Last evaluated: 2025-01-26. Review status: criteria provided, single submitter. Criteria: Invitae Variant Classification Sherloc (09022015). Collection method: clinical testing. Allele origin: germline.
Comment: This sequence change replaces isoleucine, which is neutral and non-polar, with asparagine, which is neutral and polar, at codon 2315 of the NOTCH2 protein (p.Ile2315Asn). This variant is not present in population databases (gnomAD no frequency). This variant has not been reported in the literature in individuals affected with NOTCH2-related conditions. ClinVar contains an entry for this variant (Variation ID: 3201369). Invitae Evidence Modeling of protein sequence and biophysical properties (such as structural, functional, and spatial information, amino acid conservation, physicochemical variation, residue mobility, and thermodynamic stability) indicates that this missense variant is not expected to disrupt NOTCH2 protein function with a negative predictive value of 80%. In summary, the available evidence is currently insufficient to determine the role of this variant in disease. Therefore, it has been classified as a Variant of Uncertain Significance.

Ambry Genetics
Classification: Uncertain significance for Inborn genetic diseases. Last evaluated: 2024-01-03. Review status: criteria provided, single submitter. Criteria: Ambry Variant Classification Scheme 2023. Collection method: clinical testing. Allele origin: germline.